The following is an entry in ClinVar:

NM_015705.6(SGSM3):c.2074C>T (p.Arg692Cys)

Gene: SGSM3 (small G protein signaling modulator 3; plus strand). Cytogenetic location: 22q13.1.
Variant type: single nucleotide variant.
Coding change: c.2074C>T on transcript NM_015705.6 (MANE Select); coding-DNA position 2074, C replaced by T.
Protein change: p.Arg692Cys; replaces arginine 692 with cysteine.
Molecular consequence: missense variant. On other transcripts: non-coding transcript variant (4).
Genome position (GRCh38, 1-based): chr22:40,409,335, C>T. VCF-style: chr22-40409335-C-T. GRCh37 (hg19) VCF-style: chr22-40805339-C-T.
Other names: c.1807C>T, p.Arg603Cys (NM_001301849.2); c.2125C>T, p.Arg709Cys (NM_001350039.2, NM_001350040.2); c.2074C>T, p.Arg692Cys (NM_001350041.2); c.1936C>T, p.Arg646Cys (NM_001350042.2); c.1924C>T, p.Arg642Cys (NM_001350043.2); c.1885C>T, p.Arg629Cys (NM_001350044.2, NM_001350045.2); c.1873C>T, p.Arg625Cys (NM_001350046.2, NM_001350047.2); c.1576C>T, p.Arg526Cys (NM_001350048.2); short protein forms R526C, R603C, R625C, R629C, R642C, R646C, R692C, R709C.
Identifiers: ClinVar variation 5018007 (VCV005018007.1).

ClinVar aggregate classification (germline): Uncertain significance (1 of 4 stars; one submission).

gnomAD v4.1: 35 of 1,612,548 alleles (0.0022%); highest among the groups gnomAD compares: East Asian, 0.0045%; no homozygotes.

Submission:

GeneDx
Classification: Uncertain significance. Last evaluated: 2026-04-03. Review status: criteria provided, single submitter. Criteria: GeneDx Variant Classification Process June 2021. Collection method: clinical testing. Allele origin: germline.
Comment: In silico analysis supports that this missense variant has a deleterious effect on protein structure/function; Has not been previously published as pathogenic or benign to our knowledge